The following is an entry in ClinVar:

NM_012431.3(SEMA3E):c.1216A>G (p.Arg406Gly)

Gene: SEMA3E (semaphorin 3E; minus strand). Cytogenetic location: 7q21.11.
Variant type: single nucleotide variant.
Coding change: c.1216A>G on transcript NM_012431.3 (MANE Select); coding-DNA position 1216, A replaced by G.
Protein change: p.Arg406Gly; replaces arginine 406 with glycine.
Molecular consequence: missense variant.
Genome position (GRCh38, 1-based): chr7:83,400,178, T>C on the plus strand (A>G on the coding strand, the complement: SEMA3E is on the minus strand). VCF-style: chr7-83400178-T-C. GRCh37 (hg19) VCF-style: chr7-83029494-T-C.
Other names: c.1036A>G, p.Arg346Gly (NM_001178129.2); short protein forms R346G, R406G.
Identifiers: ClinVar variation 646205 (VCV000646205.8), dbSNP rs1584221582, ClinGen allele CA367927647.

ClinVar aggregate classification (germline): Uncertain significance (1 of 4 stars; one submission).

Conditions:
CHARGE syndrome (CHARGE). Also called: Coloboma, heart anomaly, choanal atresia, retardation, genital and ear anomalies; CHARGE association; Hall-Hittner syndrome; Hittner Hirsch Kreh syndrome; CHARGE ASSOCIATION--COLOBOMA, HEART ANOMALY, CHOANAL ATRESIA, RETARDATION, GENITAL AND EAR ANOMALIES. Identifiers: Orphanet 138, MedGen C0265354, MONDO:0008965.

Allele frequency attached by ClinVar (database versions not stated): gnomAD exomes below 0.00001.
gnomAD v4.1: 1 of 1,614,046 alleles (0.000062%); highest among the groups gnomAD compares: Non-Finnish European, 0.000085%; no homozygotes.

Submission:

Labcorp Genetics (formerly Invitae), Labcorp
Classification: Uncertain significance for CHARGE syndrome. Last evaluated: 2018-09-02. Review status: criteria provided, single submitter. Criteria: Invitae Variant Classification Sherloc (09022015). Collection method: clinical testing. Allele origin: germline.
Comment: Algorithms developed to predict the effect of missense changes on protein structure and function are either unavailable or do not agree on the potential impact of this missense change (SIFT: "Deleterious"; PolyPhen-2: "Probably Damaging"; Align-GVGD: "Class C0"). Algorithms developed to predict the effect of sequence changes on RNA splicing suggest that this variant may create or strengthen a splice site, but this prediction has not been confirmed by published transcriptional studies. In summary, the available evidence is currently insufficient to determine the role of this variant in disease. Therefore, it has been classified as a Variant of Uncertain Significance. This sequence change replaces arginine with glycine at codon 406 of the SEMA3E protein (p.Arg406Gly). The arginine residue is highly conserved and there is a moderate physicochemical difference between arginine and glycine. This variant is not present in population databases (ExAC no frequency). This variant has not been reported in the literature in individuals with SEMA3E-related disease.